The following is an entry in ClinVar:

NM_001283009.2(RTEL1):c.3020C>T (p.Thr1007Ile)

Genes: RTEL1-TNFRSF6B (RTEL1-TNFRSF6B readthrough (NMD candidate); plus strand), RTEL1 (regulator of telomere elongation helicase 1; plus strand). Cytogenetic location: 20q13.33.
Variant type: single nucleotide variant.
Coding change: c.3020C>T on transcript NM_001283009.2 (MANE Select); coding-DNA position 3020, C replaced by T.
Protein change: p.Thr1007Ile; replaces threonine 1007 with isoleucine.
Molecular consequence: missense variant. On other transcripts: non-coding transcript variant (1).
Genome position (GRCh38, 1-based): chr20:63,694,399, C>T. VCF-style: chr20-63694399-C-T. GRCh37 (hg19) VCF-style: chr20-62325752-C-T.
Other names: c.2351C>T, p.Thr784Ile (NM_001283010.1); c.3020C>T, p.Thr1007Ile (NM_016434.4); c.3092C>T, p.Thr1031Ile (NM_032957.5); short protein forms T1007I, T1031I, T784I.
Identifiers: ClinVar variation 1050996 (VCV001050996.7), dbSNP rs776712596, ClinGen allele CA409684422.

ClinVar aggregate classification (germline): Uncertain significance. Review status: criteria provided, multiple submitters, no conflicts (2 of 4 stars). 3 submissions from 3 submitters: Uncertain significance (2). 1 of the submissions does not count toward it. Last evaluated 2025-03-20.

Conditions:
Pulmonary fibrosis and/or bone marrow failure, Telomere-related, 3. Also called: PULMONARY FIBROSIS AND/OR BONE MARROW FAILURE SYNDROME, TELOMERE-RELATED, 3. Identifiers: Orphanet 2032, MedGen C4225346, MONDO:0014613, OMIM 616373.
Dyskeratosis congenita, autosomal recessive 5 (DKCB5). Identifiers: MedGen C3554656, MONDO:0014076, OMIM 615190.
Inborn genetic diseases. Identifiers: MedGen C0950123, MeSH D030342.
Dyskeratosis congenita. Identifiers: Orphanet 1775, MedGen C0265965, MONDO:0015780.

gnomAD v4.1: 6 of 1,612,162 alleles (0.00037%); highest among the groups gnomAD compares: African/African-American, 0.0013%; no homozygotes.

Submissions (3):

Labcorp Genetics (formerly Invitae), Labcorp
Classification: Uncertain significance for Dyskeratosis congenita, autosomal recessive 5; Pulmonary fibrosis and/or bone marrow failure, Telomere-related, 3. Last evaluated: 2025-03-20. Review status: criteria provided, single submitter. Criteria: Invitae Variant Classification Sherloc (09022015). Collection method: clinical testing. Allele origin: germline.
Comment: This sequence change replaces threonine, which is neutral and polar, with isoleucine, which is neutral and non-polar, at codon 1007 of the RTEL1 protein (p.Thr1007Ile). This variant is not present in population databases (gnomAD no frequency). This variant has not been reported in the literature in individuals affected with RTEL1-related conditions. ClinVar contains an entry for this variant (Variation ID: 1050996). An algorithm developed to predict the effect of missense changes on protein structure and function (PolyPhen-2) suggests that this variant is likely to be disruptive. In summary, the available evidence is currently insufficient to determine the role of this variant in disease. Therefore, it has been classified as a Variant of Uncertain Significance.

Ambry Genetics
Classification: Uncertain significance for Inborn genetic diseases. Last evaluated: 2024-11-20. Review status: criteria provided, single submitter. Criteria: Ambry Variant Classification Scheme 2023. Collection method: clinical testing. Allele origin: germline.
Comment: The p.T1007I variant (also known as c.3020C>T), located in coding exon 30 of the RTEL1 gene, results from a C to T substitution at nucleotide position 3020. The threonine at codon 1007 is replaced by isoleucine, an amino acid with similar properties. This amino acid position is conserved. In addition, the in silico prediction for this alteration is inconclusive. Based on the available evidence, the clinical significance of this variant remains unclear.

Natera, Inc.
Classification: Uncertain significance for Dyskeratosis congenita. Last evaluated: 2020-05-13. Review status: no assertion criteria provided. Collection method: clinical testing. Allele origin: germline. Not counted in ClinVar's aggregate classification.